The following is an entry in ClinVar:

ClinVar aggregate classification (germline): Uncertain significance (1 of 4 stars; one submission).

Conditions:
Baller-Gerold syndrome (BGS). Also called: CRANIOSYNOSTOSIS WITH RADIAL DEFECTS. Identifiers: Orphanet 1225, MedGen C0265308, MONDO:0009039, OMIM 218600.

Submission:

Labcorp Genetics (formerly Invitae), Labcorp
Classification: Uncertain significance for Baller-Gerold syndrome. Last evaluated: 2021-07-14. Review status: criteria provided, single submitter. Criteria: Invitae Variant Classification Sherloc (09022015). Collection method: clinical testing. Allele origin: germline.
Comment: Experimental studies and prediction algorithms are not available or were not evaluated, and the functional significance of this variant is currently unknown. In summary, the available evidence is currently insufficient to determine the role of this variant in disease. Therefore, it has been classified as a Variant of Uncertain Significance. This variant has not been reported in the literature in individuals affected with RECQL4-related conditions. This variant is not present in population databases (ExAC no frequency). This variant, c.2472_2480del, results in the deletion of 3 amino acids of the RECQL4 protein (p.Asp824_Arg826del), but otherwise preserves the integrity of the reading frame.

NM_004260.4(RECQL4):c.2472_2480del (p.Asp824_Arg826del)

Gene: RECQL4 (RecQ like helicase 4; minus strand). Cytogenetic location: 8q24.3.
Variant type: Deletion.
Coding change: c.2472_2480del on transcript NM_004260.4 (MANE Select); coding-DNA positions 2472 to 2480, 9 bases deleted (CCTGCGAGA; older notation c.2472_2480delCCTGCGAGA).
Protein change: p.Asp824_Arg826del.
Molecular consequence: inframe deletion.
Genome position (GRCh38, 1-based): chr8:144,513,122-144,513,130, TCTCGCAGG deleted on the plus strand (CCTGCGAGA on the coding strand, the reverse complement: RECQL4 is on the minus strand); deleting any 9 consecutive bases within chr8:144,513,122-144,513,133 gives the same sequence; the c. name uses the placement nearest the transcript's 3' end. VCF-style (leftmost placement, unchanged base first): chr8-144513121-CTCTCGCAGG-C. GRCh37 (hg19) VCF-style: chr8-145738504-CTCTCGCAGG-C.
Identifiers: ClinVar variation 1474189 (VCV001474189.8), dbSNP rs2130673898, ClinGen allele CA2573143071.